The following is an entry in ClinVar:

NM_021830.5(TWNK):c.691G>C (p.Val231Leu)

Gene: TWNK (twinkle mtDNA helicase; plus strand). Cytogenetic location: 10q24.31.
Variant type: single nucleotide variant.
Coding change: c.691G>C on transcript NM_021830.5 (MANE Select); coding-DNA position 691, G replaced by C.
Protein change: p.Val231Leu; replaces valine 231 with leucine.
Molecular consequence: missense variant. On other transcripts: non-coding transcript variant (4), intron variant (3).
Genome position (GRCh38, 1-based): chr10:100,988,901, G>C. VCF-style: chr10-100988901-G-C. GRCh37 (hg19) VCF-style: chr10-102748658-G-C.
Other names: c.691G>C (NM_021830.4); c.691G>C, p.Val231Leu (NM_001163812.2); c.-119-743G>C (NM_001163814.2, NM_001163813.2); c.-57-805G>C (NM_001368275.1); short protein forms V231L.
Identifiers: ClinVar variation 1940082 (VCV001940082.7), dbSNP rs745439509, ClinGen allele CA5653102.

ClinVar aggregate classification (germline): Uncertain significance. Review status: criteria provided, multiple submitters, no conflicts (2 of 4 stars). 2 submissions from 2 submitters: Uncertain significance (2). Last evaluated 2025-06-29.

Allele frequency attached by ClinVar (database versions not stated): gnomAD 0.00001; gnomAD exomes 0.00001; ExAC 0.00002.

Submissions (2):

Labcorp Genetics (formerly Invitae), Labcorp
Classification: Uncertain significance. Last evaluated: 2025-06-29. Review status: criteria provided, single submitter. Criteria: Invitae Variant Classification Sherloc (09022015). Collection method: clinical testing. Allele origin: germline.
Comment: This sequence change replaces valine, which is neutral and non-polar, with leucine, which is neutral and non-polar, at codon 231 of the TWNK protein (p.Val231Leu). This variant is present in population databases (rs745439509, gnomAD 0.004%). This variant has not been reported in the literature in individuals affected with TWNK-related conditions. ClinVar contains an entry for this variant (Variation ID: 1940082). Invitae Evidence Modeling of protein sequence and biophysical properties (such as structural, functional, and spatial information, amino acid conservation, physicochemical variation, residue mobility, and thermodynamic stability) has been performed for this missense variant. However, the output from this modeling did not meet the statistical confidence thresholds required to predict the impact of this variant on TWNK protein function. In summary, the available evidence is currently insufficient to determine the role of this variant in disease. Therefore, it has been classified as a Variant of Uncertain Significance.

GeneDx
Classification: Uncertain significance. Last evaluated: 2024-11-13. Review status: criteria provided, single submitter. Criteria: GeneDx Variant Classification Process June 2021. Collection method: clinical testing. Allele origin: germline. Affected: yes.
Comment: In silico analysis indicates that this missense variant does not alter protein structure/function; Has not been previously published as pathogenic or benign to our knowledge